The following is an entry in ClinVar:

ClinVar aggregate classification (germline): Uncertain significance (1 of 4 stars; one submission).

Conditions:
Frontotemporal dementia and/or amyotrophic lateral sclerosis 7 (FTDALS7). Also called: AMYOTROPHIC LATERAL SCLEROSIS, CHMP2B-RELATED; Amyotrophic lateral sclerosis 17; CHMP2B-Related Frontotemporal Dementia-Amyotrophic Lateral Sclerosis; CHMP2B-related frontotemporal dementia. Identifiers: Orphanet 275864, Orphanet 282, Orphanet 803, MedGen C1833296, MONDO:0010936, OMIM 600795.

gnomAD v4.1: 7 of 1,613,230 alleles (0.00043%); highest among the groups gnomAD compares: Admixed American, 0.005%; no homozygotes.

Submission:

Kariminejad - Najmabadi Pathology & Genetics Center
Classification: Uncertain significance for Frontotemporal dementia and/or amyotrophic lateral sclerosis 7. Last evaluated: 2024-02-17. Review status: criteria provided, single submitter. Criteria: ACMG Guidelines, 2015. Collection method: clinical testing. Allele origin: germline. Inheritance: Autosomal dominant inheritance. Affected: yes.
Comment: PM2,PP3_supporting

NM_014043.4(CHMP2B):c.65G>A (p.Arg22Gln)

Gene: CHMP2B (charged multivesicular body protein 2B; plus strand). Cytogenetic location: 3p11.2.
Variant type: single nucleotide variant.
Coding change: c.65G>A on transcript NM_014043.4 (MANE Select); coding-DNA position 65, G replaced by A.
Protein change: p.Arg22Gln; replaces arginine 22 with glutamine.
Molecular consequence: missense variant. On other transcripts: intron variant (1).
Genome position (GRCh38, 1-based): chr3:87,240,729, G>A. VCF-style: chr3-87240729-G-A. GRCh37 (hg19) VCF-style: chr3-87289879-G-A.
Other names: c.161G>A, p.Arg54Gln (NM_001410777.1); c.4-4985G>A (NM_001244644.2); short protein forms R22Q, R54Q.
Identifiers: ClinVar variation 3896798 (VCV003896798.1).